The following is an entry in ClinVar:

NM_198407.2(GHSR):c.238C>G (p.Leu80Val)

Gene: GHSR (growth hormone secretagogue receptor; minus strand). Cytogenetic location: 3q26.31.
Variant type: single nucleotide variant.
Coding change: c.238C>G on transcript NM_198407.2 (MANE Select); coding-DNA position 238, C replaced by G.
Protein change: p.Leu80Val; replaces leucine 80 with valine.
Molecular consequence: missense variant.
Genome position (GRCh38, 1-based): chr3:172,448,176, G>C on the plus strand (C>G on the coding strand, the complement: GHSR is on the minus strand). VCF-style: chr3-172448176-G-C. GRCh37 (hg19) VCF-style: chr3-172165966-G-C.
Other names: c.238C>G, p.Leu80Val (NM_004122.2); short protein forms L80V.
Identifiers: ClinVar variation 2735237 (VCV002735237.3), dbSNP rs1251028985, ClinGen allele CA355515972.
Genomic context (GRCh38, chr3:172,448,176, plus strand): 5'-GGTCCAGGGGCATGCAGAGGAAGATGAGCAGATCGGAGAAGGCCATGCTGGACAGGTAGA[G>C]GTTGGTGGTGGTGCGCAGCTCGCGGAAGCGCGACACCACCAGCATGGTGAGCAGGTTGCC-3'
Protein context (NP_940799.1, residues 70-90): RFRELRTTTN[Leu80Val]YLSSMAFSDL

ClinVar aggregate classification (germline): Uncertain significance (1 of 4 stars; one submission).

Submission:

Labcorp Genetics (formerly Invitae), Labcorp
Classification: Uncertain significance. Last evaluated: 2024-07-08. Review status: criteria provided, single submitter. Criteria: Invitae Variant Classification Sherloc (09022015). Collection method: clinical testing. Allele origin: germline.
Comment: This sequence change replaces leucine, which is neutral and non-polar, with valine, which is neutral and non-polar, at codon 80 of the GHSR protein (p.Leu80Val). This variant is not present in population databases (gnomAD no frequency). This variant has not been reported in the literature in individuals affected with GHSR-related conditions. Advanced modeling of protein sequence and biophysical properties (such as structural, functional, and spatial information, amino acid conservation, physicochemical variation, residue mobility, and thermodynamic stability) performed at Invitae indicates that this missense variant is expected to disrupt GHSR protein function with a positive predictive value of 80%. In summary, the available evidence is currently insufficient to determine the role of this variant in disease. Therefore, it has been classified as a Variant of Uncertain Significance.